The following is an entry in ClinVar:

NM_004064.5(CDKN1B):c.272C>G (p.Pro91Arg)

Gene: CDKN1B (cyclin dependent kinase inhibitor 1B; plus strand). Cytogenetic location: 12p13.1.
Variant type: single nucleotide variant.
Coding change: c.272C>G on transcript NM_004064.5 (MANE Select); coding-DNA position 272, C replaced by G.
Protein change: p.Pro91Arg; replaces proline 91 with arginine.
Molecular consequence: missense variant.
Genome position (GRCh38, 1-based): chr12:12,718,111, C>G. VCF-style: chr12-12718111-C-G. GRCh37 (hg19) VCF-style: chr12-12871045-C-G.
Other names: short protein forms P91R.
Identifiers: ClinVar variation 469012 (VCV000469012.17), dbSNP rs768793049, ClinGen allele CA6457436.
Genomic context (GRCh38, chr12:12,718,111, plus strand): 5'-AGGGCAAGTACGAGTGGCAAGAGGTGGAGAAGGGCAGCTTGCCCGAGTTCTACTACAGAC[C>G]CCCGCGGCCCCCCAAAGGTGCCTGCAAGGTGCCGGCGCAGGAGAGCCAGGATGTCAGCGG-3'
Protein context (NP_004055.1, residues 81-101): KGSLPEFYYR[Pro91Arg]PRPPKGACKV

ClinVar aggregate classification (germline): Conflicting classifications of pathogenicity. Review status: criteria provided, conflicting classifications (1 of 4 stars). 5 submissions from 5 submitters: Uncertain significance (4); Likely benign (1). Last evaluated 2025-08-03.

Conditions:
Multiple endocrine neoplasia type 4. Also called: MULTIPLE ENDOCRINE NEOPLASIA, TYPE IV. Identifiers: Orphanet 276152, MedGen C1970712, MONDO:0012552, OMIM 610755.
Hereditary cancer-predisposing syndrome. Also called: Hereditary neoplastic syndrome; Neoplastic Syndromes, Hereditary; Tumor predisposition; Hereditary Cancer Syndrome. Identifiers: Orphanet 140162, MedGen C0027672, MeSH D009386, MONDO:0015356.

Submissions (5):

Labcorp Genetics (formerly Invitae), Labcorp
Classification: Uncertain significance for Multiple endocrine neoplasia type 4. Last evaluated: 2025-08-03. Review status: criteria provided, single submitter. Criteria: Invitae Variant Classification Sherloc (09022015). Collection method: clinical testing. Allele origin: germline.
Comment: This sequence change replaces proline, which is neutral and non-polar, with arginine, which is basic and polar, at codon 91 of the CDKN1B protein (p.Pro91Arg). This variant is present in population databases (rs768793049, gnomAD 0.004%). This variant has not been reported in the literature in individuals affected with CDKN1B-related conditions. ClinVar contains an entry for this variant (Variation ID: 469012). An algorithm developed to predict the effect of missense changes on protein structure and function (PolyPhen-2) suggests that this variant is likely to be tolerated. In summary, the available evidence is currently insufficient to determine the role of this variant in disease. Therefore, it has been classified as a Variant of Uncertain Significance.

Ambry Genetics
Classification: Likely benign for Hereditary cancer-predisposing syndrome. Last evaluated: 2024-05-08. Review status: criteria provided, single submitter. Criteria: Ambry Variant Classification Scheme 2023. Collection method: clinical testing. Allele origin: germline.

Fulgent Genetics
Classification: Uncertain significance for Multiple endocrine neoplasia type 4. Last evaluated: 2024-01-04. Review status: criteria provided, single submitter. Criteria: ACMG Guidelines, 2015. Collection method: clinical testing. Allele origin: germline.

Baylor Genetics
Classification: Uncertain significance for Multiple endocrine neoplasia type 4. Last evaluated: 2023-10-11. Review status: criteria provided, single submitter. Criteria: ACMG Guidelines, 2015. Collection method: clinical testing. Allele origin: unknown.

GeneDx
Classification: Uncertain significance. Last evaluated: 2021-01-28. Review status: criteria provided, single submitter. Criteria: GeneDx Variant Classification Process June 2021. Collection method: clinical testing. Allele origin: germline. Affected: yes.
Comment: Not observed at a significant frequency in large population cohorts (Lek 2016); In silico analysis supports that this missense variant does not alter protein structure/function; Has not been previously published as pathogenic or benign to our knowledge